The following is an entry in ClinVar:

ClinVar aggregate classification (germline): Conflicting classifications of pathogenicity. Review status: criteria provided, conflicting classifications (1 of 4 stars). 4 submissions from 4 submitters: Uncertain significance (1); Benign (1); Likely benign (1). 1 of the submissions does not count toward it. Last evaluated 2026-03-11.

Conditions:
CSF1R-related disorder. Also called: CSF1R-related condition. Identifiers: MedGen CN379780, MONDO:0100632.

Allele frequency attached by ClinVar (database versions not stated): gnomAD 0.00002 and 0.00007; TOPMed 0.00002; gnomAD exomes 0.00020 and 0.00039; 1000 Genomes Project 30x 0.00031; ExAC 0.00038; 1000 Genomes Project 0.00040.
gnomAD v4.1: 307 of 1,614,056 alleles (0.019%); highest among the groups gnomAD compares: South Asian, 0.3%; 3 homozygotes.

Submissions (4):

GeneDx
Classification: Uncertain significance. Last evaluated: 2026-03-11. Review status: criteria provided, single submitter. Criteria: GeneDx Variant Classification Process June 2021. Collection method: clinical testing. Allele origin: germline.
Comment: Reported in a patient with hypereosinophilia and atypical myeloproliferative neoplasm, but detailed clinical information and segregation information were not provided (PMID: 18971950); In silico analysis indicates that this missense variant does not alter protein structure/function; This variant is associated with the following publications: (PMID: 18971950)

Labcorp Genetics (formerly Invitae), Labcorp
Classification: Benign. Last evaluated: 2025-12-20. Review status: criteria provided, single submitter. Criteria: Invitae Variant Classification Sherloc (09022015). Collection method: clinical testing. Allele origin: germline.

Mayo Clinic Laboratories, Mayo Clinic
Classification: Likely benign. Last evaluated: 2025-02-18. Review status: criteria provided, single submitter. Criteria: ACMG Guidelines, 2015. Collection method: clinical testing. Allele origin: germline. Observed: 1 variant allele.
Comment: BS1, BP4_moderate

PreventionGenetics, part of Exact Sciences
Classification: Likely benign for CSF1R-related condition. Last evaluated: 2024-03-07. Review status: no assertion criteria provided. Collection method: clinical testing. Allele origin: germline. Not counted in ClinVar's aggregate classification.
Comment: This variant is classified as likely benign based on ACMG/AMP sequence variant interpretation guidelines (Richards et al. 2015 PMID: 25741868, with internal and published modifications).

NM_001288705.3(CSF1R):c.2258G>A (p.Arg753Gln)

Gene: CSF1R (colony stimulating factor 1 receptor; minus strand). Cytogenetic location: 5q32.
Variant type: single nucleotide variant.
Coding change: c.2258G>A on transcript NM_001288705.3 (MANE Select); coding-DNA position 2258, G replaced by A.
Protein change: p.Arg753Gln; replaces arginine 753 with glutamine.
Molecular consequence: missense variant. On other transcripts: non-coding transcript variant (2).
Genome position (GRCh38, 1-based): chr5:150,057,348, C>T on the plus strand (G>A on the coding strand, the complement: CSF1R is on the minus strand). VCF-style: chr5-150057348-C-T. GRCh37 (hg19) VCF-style: chr5-149436911-C-T.
Other names: p.Arg753Gln; c.2258G>A, p.Arg753Gln (NM_001349736.2, NM_001375320.1, NM_005211.4); c.1814G>A, p.Arg605Gln (NM_001375321.1); short protein forms R753Q, R605Q.
Identifiers: ClinVar variation 352135 (VCV000352135.16), dbSNP rs560352241, ClinGen allele CA3506484.